The following is an entry in ClinVar:

ClinVar aggregate classification (germline): Likely pathogenic (1 of 4 stars; one submission).

Submission:

GeneDx
Classification: Likely pathogenic. Last evaluated: 2024-05-02. Review status: criteria provided, single submitter. Criteria: GeneDx Variant Classification Process June 2021. Collection method: clinical testing. Allele origin: germline. Affected: yes.
Comment: Canonical splice site variant predicted to result in an in-frame loss of the adjacent exon in a gene for which loss of function is a known mechanism of disease; Not observed at significant frequency in large population cohorts (gnomAD); This variant is associated with the following publications: (PMID: 25525159, 25641508, 15108295)

NM_001278116.2(L1CAM):c.1123+1G>A

Gene: L1CAM (L1 cell adhesion molecule; minus strand). Cytogenetic location: Xq28.
Variant type: single nucleotide variant.
Coding change: c.1123+1G>A on transcript NM_001278116.2 (MANE Select); the canonical splice donor site of the intron after coding-DNA position 1123, G replaced by A.
Molecular consequence: splice donor variant.
Genome position (GRCh38, 1-based): chrX:153,869,802, C>T on the plus strand (G>A on the coding strand, the complement: L1CAM is on the minus strand). VCF-style: chrX-153869802-C-T. GRCh37 (hg19) VCF-style: chrX-153135257-C-T.
Other names: c.1108+1G>A (NM_001143963.2); c.1123+1G>A (NM_024003.3, NM_000425.5).
Identifiers: ClinVar variation 3370564 (VCV003370564.1).